The following is an entry in ClinVar:

NM_147127.5(EVC2):c.2023A>G (p.Arg675Gly)

Gene: EVC2 (EvC ciliary complex subunit 2; minus strand). Cytogenetic location: 4p16.2.
Variant type: single nucleotide variant.
Coding change: c.2023A>G on transcript NM_147127.5 (MANE Select); coding-DNA position 2023, A replaced by G.
Protein change: p.Arg675Gly; replaces arginine 675 with glycine.
Molecular consequence: missense variant.
Genome position (GRCh38, 1-based): chr4:5,625,772, T>C on the plus strand (A>G on the coding strand, the complement: EVC2 is on the minus strand). VCF-style: chr4-5625772-T-C. GRCh37 (hg19) VCF-style: chr4-5627499-T-C.
Other names: c.2023A>G (NM_147127.4); c.1783A>G, p.Arg595Gly (NM_001166136.2); short protein forms R595G, R675G.
Identifiers: ClinVar variation 1419979 (VCV001419979.7), dbSNP rs754390055, ClinGen allele CA2834863.

ClinVar aggregate classification (germline): Uncertain significance. Review status: criteria provided, multiple submitters, no conflicts (2 of 4 stars). 2 submissions from 2 submitters: Uncertain significance (2). Last evaluated 2024-10-09.

Conditions:
Ellis-van Creveld syndrome (EVC). Also called: Chondroectodermal dysplasia; EVC-Related Ellis-van Creveld Syndrome; EVC2-Related Ellis-van Creveld Syndrome; MESOECTODERMAL DYSPLASIA. Identifiers: Orphanet 289, MedGen C0013903, MONDO:0009162, OMIM 225500.
Curry-Hall syndrome (WAD). Also called: WEYERS ACRODENTAL DYSOSTOSIS. Identifiers: Orphanet 952, MedGen C0457013, MONDO:0008673, OMIM 193530.
Inborn genetic diseases. Identifiers: MedGen C0950123, MeSH D030342.

Allele frequency attached by ClinVar (database versions not stated): ExAC 0.00001; gnomAD 0.00001; gnomAD exomes 0.00001; TOPMed 0.00001.
gnomAD v4.1: 6 of 1,614,030 alleles (0.00037%); highest among the groups gnomAD compares: Admixed American, 0.0067%; no homozygotes.

Submissions (2):

Ambry Genetics
Classification: Uncertain significance for Inborn genetic diseases. Last evaluated: 2024-10-09. Review status: criteria provided, single submitter. Criteria: Ambry Variant Classification Scheme 2023. Collection method: clinical testing. Allele origin: germline.

Labcorp Genetics (formerly Invitae), Labcorp
Classification: Uncertain significance for Curry-Hall syndrome; Ellis-van Creveld syndrome. Last evaluated: 2022-10-16. Review status: criteria provided, single submitter. Criteria: Invitae Variant Classification Sherloc (09022015). Collection method: clinical testing. Allele origin: germline.
Comment: This sequence change replaces arginine, which is basic and polar, with glycine, which is neutral and non-polar, at codon 675 of the EVC2 protein (p.Arg675Gly). This variant is present in population databases (rs754390055, gnomAD 0.006%). This variant has not been reported in the literature in individuals affected with EVC2-related conditions. ClinVar contains an entry for this variant (Variation ID: 1419979). Algorithms developed to predict the effect of missense changes on protein structure and function (SIFT, PolyPhen-2, Align-GVGD) all suggest that this variant is likely to be disruptive. In summary, the available evidence is currently insufficient to determine the role of this variant in disease. Therefore, it has been classified as a Variant of Uncertain Significance.